The following is an entry in ClinVar:

ClinVar aggregate classification (germline): Likely benign. Review status: reviewed by expert panel (3 of 4 stars). 2 submissions from 2 submitters: Likely benign (1). 1 of the submissions does not count toward it. Last evaluated 2017-06-29.

Conditions:
Breast-ovarian cancer, familial, susceptibility to, 1 (BROVCA1). Also called: BRCA1 Hereditary Breast and Ovarian Cancer; OVARIAN CANCER, SUSCEPTIBILITY TO. Identifiers: Orphanet 145, MedGen C2676676, MONDO:0011450, OMIM 604370. Disease mechanism: loss of function.

Submissions (2):

Evidence-based Network for the Interpretation of Germline Mutant Alleles (ENIGMA)
Classification: Likely benign for Breast-ovarian cancer, familial, susceptibility to, 1. Last evaluated: 2017-06-29. Review status: reviewed by expert panel. Criteria: ENIGMA BRCA1/2 Classification Criteria (2017-06-29). Collection method: curation. Allele origin: germline.
Comment: Synonymous substitution variant, with low bioinformatic likelihood to result in a splicing aberration (Splicing prior probability 0.02).

Breast Cancer Information Core (BIC) (BRCA1)
Classification: Uncertain significance for Breast-ovarian cancer, familial 1. Last evaluated: 1997-11-14. Review status: no assertion criteria provided. Collection method: clinical testing. Allele origin: germline. Affected: yes. Observed: 5 variant alleles. Not counted in ClinVar's aggregate classification.

NM_007294.4(BRCA1):c.3327A>G (p.Lys1109=)

Genes: BRCA1 (BRCA1 DNA repair associated; minus strand), LOC126862571 (BRD4-independent group 4 enhancer GRCh37_chr17:41243136-41244335; plus strand). Cytogenetic location: 17q21.31.
Variant type: single nucleotide variant.
Coding change: c.3327A>G on transcript NM_007294.4 (MANE Select); coding-DNA position 3327, A replaced by G.
Protein change: p.Lys1109=; no amino-acid change (lysine 1109 retained).
Molecular consequence: synonymous variant. On other transcripts: intron variant (137).
Genome position (GRCh38, 1-based): chr17:43,092,204, T>C on the plus strand (A>G on the coding strand, the complement: BRCA1 is on the minus strand). VCF-style: chr17-43092204-T-C. GRCh37 (hg19) VCF-style: chr17-41244221-T-C.
Other names: K1109N; c.3114A>G, p.Lys1038= (NM_001407571.1, NM_001407853.1, NM_001407894.1 and 9 more transcripts); c.3327A>G, p.Lys1109= (NM_001407581.1, NM_001407582.1, NM_001407583.1 and 30 more transcripts); c.3324A>G, p.Lys1108= (NM_001407587.1, NM_001407590.1, NM_001407591.1 and 22 more transcripts); c.3318A>G, p.Lys1106= (NM_001407646.1, NM_001407647.1); c.3204A>G, p.Lys1068= (NM_001407648.1, NM_001407664.1, NM_001407665.1 and 19 more transcripts); c.3201A>G, p.Lys1067= (NM_001407649.1, NM_001407670.1, NM_001407671.1 and 11 more transcripts); c.3249A>G, p.Lys1083= (NM_001407653.1, NM_001407654.1, NM_001407655.1 and 4 more transcripts); and 42 more.
Identifiers: ClinVar variation 125624 (VCV000125624.4), dbSNP rs41293449, ClinGen allele CA002147.